The following is an entry in ClinVar:

ClinVar aggregate classification (germline): Uncertain significance (1 of 4 stars; one submission).

Conditions:
Idiopathic generalized epilepsy. Also called: Generalised epilepsy; EIG. Identifiers: MedGen C0270850, MONDO:0005579, OMIM 600669.

gnomAD v4.1: 2 of 1,595,148 alleles (0.00013%); highest among the groups gnomAD compares: Non-Finnish European, 0.00017%; no homozygotes.

Submission:

Labcorp Genetics (formerly Invitae), Labcorp
Classification: Uncertain significance for Idiopathic generalized epilepsy. Last evaluated: 2024-10-28. Review status: criteria provided, single submitter. Criteria: Invitae Variant Classification Sherloc (09022015). Collection method: clinical testing. Allele origin: germline.
Comment: This sequence change replaces arginine, which is basic and polar, with histidine, which is basic and polar, at codon 414 of the RBFOX1 protein (p.Arg414His). This variant is not present in population databases (gnomAD no frequency). This variant has not been reported in the literature in individuals affected with RBFOX1-related conditions. An algorithm developed to predict the effect of missense changes on protein structure and function (PolyPhen-2) suggests that this variant is likely to be disruptive. In summary, the available evidence is currently insufficient to determine the role of this variant in disease. Therefore, it has been classified as a Variant of Uncertain Significance.

NM_018723.4(RBFOX1):c.1178G>A (p.Arg393His)

Gene: RBFOX1 (RNA binding fox-1 homolog 1; plus strand). Cytogenetic location: 16p13.3.
Variant type: single nucleotide variant.
Coding change: c.1178G>A on transcript NM_018723.4 (MANE Select); coding-DNA position 1178, G replaced by A.
Protein change: p.Arg393His; replaces arginine 393 with histidine.
Molecular consequence: missense variant. On other transcripts: 3 prime UTR variant (20).
Genome position (GRCh38, 1-based): chr16:7,710,729, G>A. VCF-style: chr16-7710729-G-A. GRCh37 (hg19) VCF-style: chr16-7760731-G-A.
Other names: c.1097G>A, p.Arg366His (NM_001142333.2); c.1178G>A, p.Arg393His (NM_001142334.2); c.*106G>A (NM_001364800.2, NM_001415887.1, NM_001415895.1 and 12 more transcripts); c.1694G>A, p.Arg565His (NM_001415888.1); c.*1088G>A (NM_001415889.1, NM_001415890.1); c.1307G>A, p.Arg436His (NM_001415891.1); c.1286G>A, p.Arg429His (NM_001415892.1); c.1253G>A, p.Arg418His (NM_001415893.1); and 11 more; short protein forms R362H, R387H, R388H, R393H, R429H, R366H, R402H, R413H.
Identifiers: ClinVar variation 3687717 (VCV003687717.2).